The following is an entry in ClinVar:

ClinVar aggregate classification (germline): Conflicting classifications of pathogenicity. Review status: criteria provided, conflicting classifications (1 of 4 stars). 3 submissions from 3 submitters: Uncertain significance (2); Likely benign (1). Last evaluated 2026-01-22.

Conditions:
Breast-ovarian cancer, familial, susceptibility to, 3. Also called: RAD51C-Related Breast/Ovarian Cancer. Identifiers: Orphanet 145, MedGen C3150659, MONDO:0013253, OMIM 613399.
Hereditary cancer-predisposing syndrome. Also called: Hereditary neoplastic syndrome; Neoplastic Syndromes, Hereditary; Tumor predisposition; Hereditary Cancer Syndrome. Identifiers: Orphanet 140162, MedGen C0027672, MeSH D009386, MONDO:0015356.
Fanconi anemia complementation group O. Also called: RAD51C-Related Fanconi Anemia. Identifiers: Orphanet 84, MedGen C3150653, MONDO:0013248, OMIM 613390.

gnomAD v4.1: 1 of 1,614,150 alleles (0.000062%); highest among the groups gnomAD compares: Admixed American, 0.0017%; no homozygotes.

Submissions (3):

Labcorp Genetics (formerly Invitae), Labcorp
Classification: Uncertain significance for Fanconi anemia complementation group O. Last evaluated: 2026-01-22. Review status: criteria provided, single submitter. Criteria: Invitae Variant Classification Sherloc (09022015). Collection method: clinical testing. Allele origin: germline.
Comment: This sequence change replaces leucine, which is neutral and non-polar, with arginine, which is basic and polar, at codon 90 of the RAD51C protein (p.Leu90Arg). This variant is not present in population databases (gnomAD no frequency). This variant has not been reported in the literature in individuals affected with RAD51C-related conditions. ClinVar contains an entry for this variant (Variation ID: 1039378). Invitae Evidence Modeling of protein sequence and biophysical properties (such as structural, functional, and spatial information, amino acid conservation, physicochemical variation, residue mobility, and thermodynamic stability) indicates that this missense variant is not expected to disrupt RAD51C protein function with a negative predictive value of 80%. In summary, the available evidence is currently insufficient to determine the role of this variant in disease. Therefore, it has been classified as a Variant of Uncertain Significance.

Ambry Genetics
Classification: Likely benign for Hereditary cancer-predisposing syndrome. Last evaluated: 2025-10-17. Review status: criteria provided, single submitter. Criteria: Ambry Variant Classification Scheme 2023. Collection method: clinical testing. Allele origin: germline.

Baylor Genetics
Classification: Uncertain significance for Breast-ovarian cancer, familial, susceptibility to, 3. Last evaluated: 2023-11-02. Review status: criteria provided, single submitter. Criteria: ACMG Guidelines, 2015. Collection method: clinical testing. Allele origin: unknown.

NM_058216.3(RAD51C):c.269T>G (p.Leu90Arg)

Gene: RAD51C (RAD51 paralog C; plus strand). Cytogenetic location: 17q22.
Variant type: single nucleotide variant.
Coding change: c.269T>G on transcript NM_058216.3 (MANE Select); coding-DNA position 269, T replaced by G.
Protein change: p.Leu90Arg; replaces leucine 90 with arginine.
Molecular consequence: missense variant. On other transcripts: non-coding transcript variant (2).
Genome position (GRCh38, 1-based): chr17:58,695,054, T>G. VCF-style: chr17-58695054-T-G. GRCh37 (hg19) VCF-style: chr17-56772415-T-G.
Other names: c.269T>G, p.Leu90Arg (NM_002876.4); short protein forms L90R.
Identifiers: ClinVar variation 1039378 (VCV001039378.13), dbSNP rs1064793934, ClinGen allele CA400340640.